The following is an entry in ClinVar:

ClinVar aggregate classification (germline): Uncertain significance (1 of 4 stars; one submission).

Allele frequency attached by ClinVar (database versions not stated): gnomAD exomes below 0.00001; TOPMed 0.00001.
gnomAD v4.1: 3 of 1,614,050 alleles (0.00019%); highest among the groups gnomAD compares: Admixed American, 0.0017%; no homozygotes.

Submission:

Labcorp Genetics (formerly Invitae), Labcorp
Classification: Uncertain significance. Last evaluated: 2020-05-20. Review status: criteria provided, single submitter. Criteria: Invitae Variant Classification Sherloc (09022015). Collection method: clinical testing. Allele origin: germline.
Comment: In summary, the available evidence is currently insufficient to determine the role of this variant in disease. Therefore, it has been classified as a Variant of Uncertain Significance. Algorithms developed to predict the effect of missense changes on protein structure and function are either unavailable or do not agree on the potential impact of this missense change (SIFT: "Tolerated"; PolyPhen-2: "Possibly Damaging"; Align-GVGD: "Class C0"). This variant has not been reported in the literature in individuals with CNNM4-related conditions. This variant is not present in population databases (ExAC no frequency). This sequence change replaces threonine with isoleucine at codon 370 of the CNNM4 protein (p.Thr370Ile). The threonine residue is moderately conserved and there is a moderate physicochemical difference between threonine and isoleucine.

NM_020184.4(CNNM4):c.1109C>T (p.Thr370Ile)

Gene: CNNM4 (cyclin and CBS domain divalent metal cation transport mediator 4; plus strand). Cytogenetic location: 2q11.2.
Variant type: single nucleotide variant.
Coding change: c.1109C>T on transcript NM_020184.4 (MANE Select); coding-DNA position 1109, C replaced by T.
Protein change: p.Thr370Ile; replaces threonine 370 with isoleucine.
Molecular consequence: missense variant.
Genome position (GRCh38, 1-based): chr2:96,762,108, C>T. VCF-style: chr2-96762108-C-T. GRCh37 (hg19) VCF-style: chr2-97427845-C-T.
Other names: short protein forms T370I.
Identifiers: ClinVar variation 1040095 (VCV001040095.8), dbSNP rs1224599837, ClinGen allele CA347716348.